The following is an entry in ClinVar:

NM_152732.5(RSPH9):c.825G>A (p.Met275Ile)

Gene: RSPH9 (radial spoke head component 9; plus strand). Cytogenetic location: 6p21.1.
Variant type: single nucleotide variant.
Coding change: c.825G>A on transcript NM_152732.5 (MANE Select); coding-DNA position 825, G replaced by A.
Protein change: p.Met275Ile; replaces methionine 275 with isoleucine.
Molecular consequence: missense variant. On other transcripts: non-coding transcript variant (2).
Genome position (GRCh38, 1-based): chr6:43,670,943, G>A. VCF-style: chr6-43670943-G-A. GRCh37 (hg19) VCF-style: chr6-43638680-G-A.
Other names: c.877G>A, p.Ala293Thr (NM_001193341.2); c.922G>A, p.Ala308Thr (NM_001424119.1); c.780G>A, p.Met260Ile (NM_001424120.1); short protein forms A308T, M260I, M275I, A293T.
Identifiers: ClinVar variation 3724158 (VCV003724158.1).

ClinVar aggregate classification (germline): Uncertain significance (1 of 4 stars; one submission).

Conditions:
Primary ciliary dyskinesia. Also called: Ciliary dyskinesia. Identifiers: Orphanet 244, MedGen C0008780, MONDO:0016575, HP:0012265.

gnomAD v4.1: 18 of 1,614,036 alleles (0.0011%); highest among the groups gnomAD compares: African/African-American, 0.023%; no homozygotes.

Submission:

Labcorp Genetics (formerly Invitae), Labcorp
Classification: Uncertain significance for Primary ciliary dyskinesia. Last evaluated: 2024-04-15. Review status: criteria provided, single submitter. Criteria: Invitae Variant Classification Sherloc (09022015). Collection method: clinical testing. Allele origin: germline.
Comment: This sequence change replaces methionine, which is neutral and non-polar, with isoleucine, which is neutral and non-polar, at codon 275 of the RSPH9 protein (p.Met275Ile). This variant is present in population databases (rs755329599, gnomAD 0.02%). This variant has not been reported in the literature in individuals affected with RSPH9-related conditions. An algorithm developed to predict the effect of missense changes on protein structure and function (PolyPhen-2) suggests that this variant is likely to be disruptive. In summary, the available evidence is currently insufficient to determine the role of this variant in disease. Therefore, it has been classified as a Variant of Uncertain Significance.